The following is an entry in ClinVar:

ClinVar aggregate classification (germline): Likely benign. Review status: criteria provided, multiple submitters, no conflicts (2 of 4 stars). 2 submissions from 2 submitters: Likely benign (2). Last evaluated 2025-04-25.

Conditions:
IFT140-related disorder. Also called: IFT140-related condition.
Saldino-Mainzer syndrome (SRTD9). Also called: CONORENAL SYNDROME; SHORT-RIB THORACIC DYSPLASIA 9 WITHOUT POLYDACTYLY; short-rib thoracic dysplasia 9 with or without polydactyly; Renal dysplasia, retinal pigmentary dystrophy, cerebellar ataxia and skeletal dysplasia. Identifiers: Orphanet 140969, MedGen C1849437, MONDO:0009964, OMIM 266920.

gnomAD v4.1: 11 of 1,609,772 alleles (0.00068%); highest among the groups gnomAD compares: Admixed American, 0.0034%; no homozygotes.

Submissions (2):

PreventionGenetics, part of Exact Sciences
Classification: Likely benign for IFT140-related condition. Last evaluated: 2025-04-25. Review status: criteria provided, single submitter. Criteria: ACMG Guidelines, 2015. Collection method: clinical testing. Allele origin: germline.
Comment: This variant is classified as likely benign based on ACMG/AMP sequence variant interpretation guidelines (Richards et al. 2015 PMID: 25741868, with internal and published modifications).

Labcorp Genetics (formerly Invitae), Labcorp
Classification: Likely benign for Saldino-Mainzer syndrome. Last evaluated: 2025-01-20. Review status: criteria provided, single submitter. Criteria: Invitae Variant Classification Sherloc (09022015). Collection method: clinical testing. Allele origin: germline.

NM_014714.4(IFT140):c.2446C>A (p.Arg816=)

Gene: IFT140 (intraflagellar transport 140; minus strand). Cytogenetic location: 16p13.3.
Variant type: single nucleotide variant.
Coding change: c.2446C>A on transcript NM_014714.4 (MANE Select); coding-DNA position 2446, C replaced by A.
Protein change: p.Arg816=; no amino-acid change (arginine 816 retained).
Molecular consequence: synonymous variant.
Genome position (GRCh38, 1-based): chr16:1,526,750, G>T on the plus strand (C>A on the coding strand, the complement: IFT140 is on the minus strand). VCF-style: chr16-1526750-G-T. GRCh37 (hg19) VCF-style: chr16-1576751-G-T.
Other names: c.2446C>A (NM_014714.3).
Identifiers: ClinVar variation 1123890 (VCV001123890.10), dbSNP rs549813139, ClinGen allele CA7813624.
Genomic context (GRCh38, chr16:1,526,750, plus strand): 5'-GCGCTCGGGCCCCGCGGGCATGGCCCATGTTCCCCAGGCACACCTTGGCCACGTCCAGCC[G>T]CTGGGTCTTCACGCACATGCGCGCCATGTTCTCCCAGACGGCCTCACTGTGGGCAGACGG-3'
Protein context (NP_055529.2, residues 806-826): NMARMCVKTQ[Arg816=]LDVAKVCLGN